The following is an entry in ClinVar:

NM_001127255.2(NLRP7):c.2471+1G>A

Genes: NCR1 (natural cytotoxicity triggering receptor 1), NLRP7 (NLR family pyrin domain containing 7; minus strand). Cytogenetic location: 19q13.42.
Variant type: single nucleotide variant.
Coding change: c.2471+1G>A on transcript NM_001127255.2 (MANE Select); the canonical splice donor site of the intron after coding-DNA position 2471, G replaced by A.
Molecular consequence: splice donor variant.
Genome position (GRCh38, 1-based): chr19:54,934,488, C>T on the plus strand (G>A on the coding strand, the complement: NLRP7 is on the minus strand). VCF-style: chr19-54934488-C-T. GRCh37 (hg19) VCF-style: chr19-55445856-C-T.
Other names: IVS7DS, G-A, +1; c.2471+1G>A (NM_001405531.1, NM_206828.4); c.2387+1G>A (NM_139176.4).
Identifiers: ClinVar variation 1585 (VCV000001585.7), dbSNP rs104895505, ClinGen allele CA150044.

ClinVar aggregate classification (germline): Pathogenic/Likely pathogenic. Review status: criteria provided, multiple submitters, no conflicts (2 of 4 stars). 4 submissions from 4 submitters: Pathogenic (1); Likely pathogenic (1). 2 of the submissions do not count toward it. Last evaluated 2025-01-05.

Conditions:
Hydatidiform mole, recurrent, 1 (HYDM1). Identifiers: Orphanet 254688, Orphanet 99927, MedGen C3463897, MONDO:0009273, OMIM 231090. Disease mechanism: loss of function.

Allele frequency attached by ClinVar (database versions not stated): ExAC 0.00003; gnomAD exomes 0.00005; ESP Exome Variant Server 0.00008; TOPMed 0.00006.
gnomAD v4.1: 66 of 1,613,898 alleles (0.0041%); highest among the groups gnomAD compares: South Asian, 0.012%; no homozygotes.

Submissions (4):

Dasa
Classification: Likely pathogenic for Hydatidiform mole, recurrent, 1. Last evaluated: 2025-01-05. Review status: criteria provided, single submitter. Criteria: DASA Assertion Criteria. Collection method: clinical testing. Allele origin: germline.
Comment: NM_001127255.1(NLRP7):c.2471+1G>A affects a canonical splice site and is predicted to disrupt normal RNA splicing. Loss of function is an established disease mechanism for NLRP7-associated disorders. This variant has been recurrently observed in individuals with NLRP7-related disorders (PMID: 16462743; PMID: 37265977). Also, this variant is rare in population databases. Based on the currently available evidence, this variant is classified as likely pathogenic.

Juno Genomics, Hangzhou Juno Genomics, Inc
Classification: Pathogenic for Hydatidiform mole, recurrent, 1. Review status: criteria provided, single submitter. Criteria: ACMG Guidelines, 2015. Collection method: clinical testing. Allele origin: germline. Affected: yes.
Comment: Absent from controls (or at extremely low frequency if recessive) in Genome Aggregation Database, Exome Sequencing Project, 1000 Genomes Project, or Exome Aggregation Consortium.;For recessive disorders, detected in trans with a pathogenic variant.;Patient's phenotype or family history is highly specific for a disease with a single genetic etiology.;Co-segregation with disease in multiple affected family members in a gene definitively known to cause the disease.;Well-established in vitro or in vivo functional studies supportive of a damaging effect on the gene or gene product.

OMIM
Classification: Pathogenic for HYDATIDIFORM MOLE, RECURRENT, 1. Last evaluated: 2006-03-01. Review status: no assertion criteria provided. Collection method: literature only. Allele origin: germline. Not counted in ClinVar's aggregate classification.

Unité médicale des maladies autoinflammatoires, CHRU Montpellier
No classification provided. Condition: Hydatidiform mole. Review status: no classification provided. Collection method: not provided. Allele origin: unknown. Not counted in ClinVar's aggregate classification.

Literature cited by the submitters: PubMed 16462743 (cited by Dasa and OMIM); PubMed 37265977 (cited by Dasa).